The following is an entry in ClinVar:

NM_018972.4(GDAP1):c.-20C>T

Genes: GDAP1 (ganglioside induced differentiation associated protein 1; plus strand), LOC130000622 (ATAC-STARR-seq lymphoblastoid active region 27542; plus strand). Cytogenetic location: 8q21.11.
Variant type: single nucleotide variant.
Coding change: c.-20C>T on transcript NM_018972.4 (MANE Select); 20 bases upstream of the start codon, C replaced by T.
Molecular consequence: 5 prime UTR variant.
Genome position (GRCh38, 1-based): chr8:74,350,442, C>T. VCF-style: chr8-74350442-C-T. GRCh37 (hg19) VCF-style: chr8-75262677-C-T.
Other names: c.-94C>T (NM_001040875.4); c.-202C>T (NM_001362929.2); c.-20C>T (NM_001362930.2, NM_001362931.2); c.-154C>T (NM_001362932.2).
Identifiers: ClinVar variation 379721 (VCV000379721.2), dbSNP rs188488037, ClinGen allele CA4784987.
Genomic context (GRCh38, chr8:74,350,442, plus strand): 5'-GGAAACGCCTTGCGGGGCAGTGTGGGAGGGAGAAGTCCAGGGCGGACAGGCTGGGCGCAC[C>T]CGTGCTCGCGCACCCCAAGATGGCTGAGAGGCAGGAAGAGCAGAGAGGGAGCCCGCCCTT-3'

ClinVar aggregate classification (germline): Likely benign. Review status: criteria provided, multiple submitters, no conflicts (2 of 4 stars). 2 submissions from 2 submitters: Likely benign (2). Last evaluated 2016-12-29.

Allele frequency attached by ClinVar (database versions not stated): gnomAD exomes 0.00030; ExAC 0.00033; gnomAD 0.00112 and 0.00118; ESP Exome Variant Server 0.00123; TOPMed 0.00144; 1000 Genomes Project 0.00319; 1000 Genomes Project 30x 0.00328.
gnomAD v4.1: 320 of 1,476,524 alleles (0.022%); highest among the groups gnomAD compares: African/African-American, 0.36%; no homozygotes.

Submissions (2):

GeneDx
Classification: Likely benign. Last evaluated: 2016-12-29. Review status: criteria provided, single submitter. Criteria: GeneDx Variant Classification (06012015). Collection method: clinical testing. Allele origin: germline. Affected: yes.
Comment: This variant is considered likely benign or benign based on one or more of the following criteria: it is a conservative change, it occurs at a poorly conserved position in the protein, it is predicted to be benign by multiple in silico algorithms, and/or has population frequency not consistent with disease.

Breakthrough Genomics
Classification: Likely benign. Review status: criteria provided, single submitter. Criteria: ACMG Guidelines, 2015. Collection method: not provided. Allele origin: germline. Inheritance: Autosomal recessive inheritance. Affected: yes.